The following is an entry in ClinVar:

ClinVar aggregate classification (germline): Uncertain significance (1 of 4 stars; one submission).

Allele frequency attached by ClinVar (database versions not stated): TOPMed 0.00002; gnomAD 0.00005; ESP Exome Variant Server 0.00008; ExAC 0.00010; 1000 Genomes Project 30x 0.00016; 1000 Genomes Project 0.00020.
gnomAD v4.1: 74 of 1,613,904 alleles (0.0046%); highest among the groups gnomAD compares: South Asian, 0.066%; 1 homozygote.

Submission:

Labcorp Genetics (formerly Invitae), Labcorp
Classification: Uncertain significance. Last evaluated: 2023-07-18. Review status: criteria provided, single submitter. Criteria: Invitae Variant Classification Sherloc (09022015). Collection method: clinical testing. Allele origin: germline.
Comment: This sequence change affects codon 427 of the PCK2 mRNA. It is a 'silent' change, meaning that it does not change the encoded amino acid sequence of the PCK2 protein. This variant is present in population databases (rs376631075, gnomAD 0.05%). This variant has not been reported in the literature in individuals affected with PCK2-related conditions. Algorithms developed to predict the effect of sequence changes on RNA splicing suggest that this variant may create or strengthen a splice site. In summary, the available evidence is currently insufficient to determine the role of this variant in disease. Therefore, it has been classified as a Variant of Uncertain Significance.

NM_004563.4(PCK2):c.1281G>A (p.Pro427=)

Genes: NRL (neural retina leucine zipper; minus strand), PCK2 (phosphoenolpyruvate carboxykinase 2, mitochondrial; plus strand). Cytogenetic location: 14q12.
Variant type: single nucleotide variant.
Coding change: c.1281G>A on transcript NM_004563.4 (MANE Select); coding-DNA position 1281, G replaced by A.
Protein change: p.Pro427=; no amino-acid change (proline 427 retained).
Molecular consequence: synonymous variant. On other transcripts: intron variant (3).
Genome position (GRCh38, 1-based): chr14:24,102,799, G>A. VCF-style: chr14-24102799-G-A. GRCh37 (hg19) VCF-style: chr14-24572008-G-A.
Other names: c.879G>A, p.Pro293= (NM_001291556.2, NM_001308054.2); c.-28+11923C>T (NM_001354768.3, NM_001354770.2); c.-254+11923C>T (NM_006177.5).
Identifiers: ClinVar variation 2901624 (VCV002901624.3), dbSNP rs376631075, ClinGen allele CA7123438.